The following is an entry in ClinVar:

ClinVar aggregate classification (germline): Uncertain significance (1 of 4 stars; one submission).

Conditions:
Baller-Gerold syndrome (BGS). Also called: CRANIOSYNOSTOSIS WITH RADIAL DEFECTS. Identifiers: Orphanet 1225, MedGen C0265308, MONDO:0009039, OMIM 218600.

gnomAD v4.1: 1 of 1,594,226 alleles (0.000063%); highest among the groups gnomAD compares: Non-Finnish European, 0.000085%; no homozygotes.

Submission:

Labcorp Genetics (formerly Invitae), Labcorp
Classification: Uncertain significance for Baller-Gerold syndrome. Last evaluated: 2019-07-27. Review status: criteria provided, single submitter. Criteria: Invitae Variant Classification Sherloc (09022015). Collection method: clinical testing. Allele origin: germline.
Comment: This sequence change replaces alanine with aspartic acid at codon 805 of the RECQL4 protein (p.Ala805Asp). The alanine residue is highly conserved and there is a moderate physicochemical difference between alanine and aspartic acid. This variant has not been reported in the literature in individuals with RECQL4-related conditions. Algorithms developed to predict the effect of missense changes on protein structure and function (SIFT, PolyPhen-2, Align-GVGD) all suggest that this variant is likely to be disruptive, but these predictions have not been confirmed by published functional studies and their clinical significance is uncertain. In summary, the available evidence is currently insufficient to determine the role of this variant in disease. Therefore, it has been classified as a Variant of Uncertain Significance. This variant is not present in population databases (ExAC no frequency).

NM_004260.4(RECQL4):c.2414C>A (p.Ala805Asp)

Gene: RECQL4 (RecQ like helicase 4; minus strand). Cytogenetic location: 8q24.3.
Variant type: single nucleotide variant.
Coding change: c.2414C>A on transcript NM_004260.4 (MANE Select); coding-DNA position 2414, C replaced by A.
Protein change: p.Ala805Asp; replaces alanine 805 with aspartic acid.
Molecular consequence: missense variant.
Genome position (GRCh38, 1-based): chr8:144,513,267, G>T on the plus strand (C>A on the coding strand, the complement: RECQL4 is on the minus strand). VCF-style: chr8-144513267-G-T. GRCh37 (hg19) VCF-style: chr8-145738650-G-T.
Other names: short protein forms A805D.
Identifiers: ClinVar variation 851570 (VCV000851570.5), dbSNP rs765894032, ClinGen allele CA372678145.